The following is an entry in ClinVar:

NM_004168.4(SDHA):c.888_891delinsTCCC (p.His296_Pro297=)

Gene: SDHA (succinate dehydrogenase complex flavoprotein subunit A; plus strand). Cytogenetic location: 5p15.33.
Variant type: Indel.
Coding change: c.888_891delinsTCCC on transcript NM_004168.4 (MANE Select); coding-DNA positions 888 to 891, CCCT replaced by TCCC.
Protein change: p.His296_Pro297=.
Molecular consequence: synonymous variant.
Genome position (GRCh38, 1-based): chr5:230,993-230,996, CCCT replaced by TCCC. VCF-style: chr5-230993-CCCT-TCCC. GRCh37 (hg19) VCF-style: chr5-231108-CCCT-TCCC.
Other names: c.744_747delinsTCCC, p.His248_Pro249= (NM_001294332.2); c.888_891delinsTCCC, p.His296_Pro297= (NM_001330758.2).
Identifiers: ClinVar variation 3904492 (VCV003904492.1).

ClinVar aggregate classification (germline): Benign (1 of 4 stars; one submission).

Conditions:
Pheochromocytoma/paraganglioma syndrome 5. Also called: Paragangliomas 5; SDHA-Related Hereditary Paraganglioma-Pheochromocytoma Syndrome. Identifiers: Orphanet 29072, MedGen C3279992, MONDO:0013602, OMIM 614165.

Submission:

Myriad Genetics, Inc.
Classification: Benign for Pheochromocytoma/paraganglioma syndrome 5. Last evaluated: 2025-03-03. Review status: criteria provided, single submitter. Criteria: Myriad Autosomal Dominant, Autosomal Recessive and X-Linked Classification Criteria (2023). Collection method: clinical testing. Allele origin: unknown.
Comment: This variant is considered benign. This variant is a silent/synonymous amino acid change and it is not expected to impact splicing.